The following is an entry in ClinVar:

ClinVar aggregate classification (germline): Uncertain significance (1 of 4 stars; one submission).

Allele frequency attached by ClinVar (database versions not stated): TOPMed below 0.00001; gnomAD 0.00001.
gnomAD v4.1: 10 of 1,612,174 alleles (0.00062%); highest among the groups gnomAD compares: Non-Finnish European, 0.00085%; no homozygotes.

Submission:

Women's Health and Genetics/Laboratory Corporation of America, LabCorp
Classification: Uncertain significance. Last evaluated: 2023-10-13. Review status: criteria provided, single submitter. Criteria: LabCorp Variant Classification Summary - May 2015. Collection method: clinical testing. Allele origin: germline.
Comment: Variant summary: CCDC88C c.2233G>A (p.Asp745Asn) results in a conservative amino acid change in the encoded protein sequence. Four of five in-silico tools predict a benign effect of the variant on protein function. The variant allele was found at a frequency of 4e-06 in 248032 control chromosomes (gnomAD). The available data on variant occurrences in the general population are insufficient to allow any conclusion about variant significance. To our knowledge, no occurrence of c.2233G>A in individuals affected with CCDC88C-Related Disorders and no experimental evidence demonstrating its impact on protein function have been reported. No submitters have cited clinical-significance assessments for this variant to ClinVar after 2014. Based on the evidence outlined above, the variant was classified as uncertain significance.

NM_001080414.4(CCDC88C):c.2233G>A (p.Asp745Asn)

Gene: CCDC88C (coiled-coil domain containing 88C; minus strand). Cytogenetic location: 14q32.11.
Variant type: single nucleotide variant.
Coding change: c.2233G>A on transcript NM_001080414.4 (MANE Select); coding-DNA position 2233, G replaced by A.
Protein change: p.Asp745Asn; replaces aspartic acid 745 with asparagine.
Molecular consequence: missense variant.
Genome position (GRCh38, 1-based): chr14:91,313,583, C>T on the plus strand (G>A on the coding strand, the complement: CCDC88C is on the minus strand). VCF-style: chr14-91313583-C-T. GRCh37 (hg19) VCF-style: chr14-91779927-C-T.
Other names: short protein forms D745N.
Identifiers: ClinVar variation 2637711 (VCV002637711.1), dbSNP rs1316619914, ClinGen allele CA390630814.